The following is an entry in ClinVar:

ClinVar aggregate classification (germline): Pathogenic/Likely pathogenic. Review status: criteria provided, multiple submitters, no conflicts (2 of 4 stars). 4 submissions from 4 submitters: Pathogenic (2); Likely pathogenic (2). Last evaluated 2026-01-23.

Conditions:
Hereditary cancer-predisposing syndrome. Also called: Neoplastic Syndromes, Hereditary; Tumor predisposition; Hereditary neoplastic syndrome; Hereditary Cancer Syndrome. Identifiers: Orphanet 140162, MedGen C0027672, MeSH D009386, MONDO:0015356.
Generalized juvenile polyposis/juvenile polyposis coli. Also called: Juvenile polyposis coli. Identifiers: Orphanet 329971, MedGen C1868081, MONDO:0008276.
Juvenile polyposis syndrome (JPS). Identifiers: Orphanet 2929, MedGen C0345893, MONDO:0017380, OMIM 174900.

Submissions (4):

Ambry Genetics
Classification: Pathogenic for Hereditary cancer-predisposing syndrome. Last evaluated: 2026-01-23. Review status: criteria provided, single submitter. Criteria: Ambry Variant Classification Scheme 2023. Collection method: clinical testing. Allele origin: germline.
Comment: The p.Y407* pathogenic mutation (also known as c.1221C>G), located in coding exon 9 of the BMPR1A gene, results from a C to G substitution at nucleotide position 1221. This changes the amino acid from a tyrosine to a stop codon within coding exon 9. This variant is considered to be rare based on population cohorts in the Genome Aggregation Database (gnomAD). This alteration is expected to result in loss of function by premature protein truncation or nonsense-mediated mRNA decay. As such, this alteration is interpreted as a disease-causing mutation.

Quest Diagnostics Nichols Institute San Juan Capistrano
Classification: Likely pathogenic. Last evaluated: 2024-07-12. Review status: criteria provided, single submitter. Criteria: Quest Diagnostics criteria. Collection method: clinical testing. Allele origin: unknown.
Comment: The BMPR1A c.1221C>G (p.Tyr407*) variant has not been reported in individuals with BMPR1A-related conditions in the published literature. It also has not been reported in large, multi-ethnic general populations (Genome Aggregation Database). Based on the available information, this variant is classified as likely pathogenic.

Labcorp Genetics (formerly Invitae), Labcorp
Classification: Pathogenic for Juvenile polyposis syndrome. Last evaluated: 2022-09-19. Review status: criteria provided, single submitter. Criteria: Invitae Variant Classification Sherloc (09022015). Collection method: clinical testing. Allele origin: germline.
Comment: For these reasons, this variant has been classified as Pathogenic. ClinVar contains an entry for this variant (Variation ID: 429103). This variant has not been reported in the literature in individuals affected with BMPR1A-related conditions. This variant is not present in population databases (gnomAD no frequency). This sequence change creates a premature translational stop signal (p.Tyr407*) in the BMPR1A gene. It is expected to result in an absent or disrupted protein product. Loss-of-function variants in BMPR1A are known to be pathogenic (PMID: 11536076, 12417513).

Women's Health and Genetics/Laboratory Corporation of America, LabCorp
Classification: Likely pathogenic for Juvenile polyposis syndrome. Last evaluated: 2017-11-30. Review status: criteria provided, single submitter. Criteria: LabCorp Variant Classification Summary - May 2015. Collection method: clinical testing. Allele origin: germline.
Comment: Variant summary: The BMPR1A c.1221C>G (p.Tyr407X) variant results in a premature termination codon, predicted to cause a truncated or absent BMPR1A protein due to nonsense mediated decay, which are commonly known mechanisms for disease. One in silico tool predicts a damaging outcome for this variant. This variant is absent in 246236 control chromosomes. One clinical diagnostic laboratory classified this variant as pathogenic. The variant of interest has not, to our knowledge, been reported in affected individuals via publications nor evaluated for functional impact by in vivo/vitro studies. Taken together, this variant is classified as likely pathogenic.

Literature cited by the submitters: PubMed 30670635 (cited by Quest Diagnostics Nichols Institute San Juan Capistrano); PubMed 11536076 (cited by Labcorp Genetics (formerly Invitae), Labcorp); PubMed 12417513 (cited by Labcorp Genetics (formerly Invitae), Labcorp).

NM_004329.3(BMPR1A):c.1221C>G (p.Tyr407Ter)

Gene: BMPR1A (bone morphogenetic protein receptor type 1A; plus strand). Cytogenetic location: 10q23.2.
Variant type: single nucleotide variant.
Coding change: c.1221C>G on transcript NM_004329.3 (MANE Select); coding-DNA position 1221, C replaced by G.
Protein change: p.Tyr407Ter; replaces tyrosine 407 with a stop codon.
Molecular consequence: nonsense.
Genome position (GRCh38, 1-based): chr10:86,921,574, C>G. VCF-style: chr10-86921574-C-G. GRCh37 (hg19) VCF-style: chr10-88681331-C-G.
Other names: short protein forms Y407*.
Identifiers: ClinVar variation 429103 (VCV000429103.13), dbSNP rs1131691181, ClinGen allele CA377461997.